The following is an entry in ClinVar:

NM_000548.5(TSC2):c.2782C>G (p.Pro928Ala)

Gene: TSC2 (TSC complex subunit 2; plus strand). Cytogenetic location: 16p13.3.
Variant type: single nucleotide variant.
Coding change: c.2782C>G on transcript NM_000548.5 (MANE Select); coding-DNA position 2782, C replaced by G.
Protein change: p.Pro928Ala; replaces proline 928 with alanine.
Molecular consequence: missense variant.
Genome position (GRCh38, 1-based): chr16:2,076,530, C>G. VCF-style: chr16-2076530-C-G. GRCh37 (hg19) VCF-style: chr16-2126531-C-G.
Other names: c.2320C>G, p.Pro774Ala (NM_001406681.1); c.2182C>G, p.Pro728Ala (NM_001406682.1, NM_001406683.1, NM_001406684.1 and 6 more transcripts); c.1438C>G, p.Pro480Ala (NM_001406689.1, NM_001406690.1, NM_001406696.1 and 6 more transcripts); c.1180C>G, p.Pro394Ala (NM_001406698.1); c.2782C>G, p.Pro928Ala (NM_021055.3, NM_001077183.3, NM_001114382.3 and 6 more transcripts); c.2671C>G, p.Pro891Ala (NM_001318827.2, NM_001406670.1, NM_001406678.1); c.2635C>G, p.Pro879Ala (NM_001318829.2, NM_001406675.1, NM_001406676.1 and 1 more transcripts); c.2815C>G, p.Pro939Ala (NM_001318832.2); and 3 more; short protein forms P480A, P728A, P909A, P924A, P928A, P939A, P394A, P774A.
Identifiers: ClinVar variation 2076121 (VCV002076121.4), dbSNP rs2543930637, ClinGen allele CA394279944.

ClinVar aggregate classification (germline): Uncertain significance (1 of 4 stars; one submission).

Conditions:
Tuberous sclerosis 2 (TSC2). Identifiers: Orphanet 805, MedGen C1860707, MONDO:0013199, OMIM 613254.

Submission:

Labcorp Genetics (formerly Invitae), Labcorp
Classification: Uncertain significance for Tuberous sclerosis 2. Last evaluated: 2022-08-16. Review status: criteria provided, single submitter. Criteria: Invitae Variant Classification Sherloc (09022015). Collection method: clinical testing. Allele origin: germline.
Comment: This variant has not been reported in the literature in individuals affected with TSC2-related conditions. Advanced modeling of protein sequence and biophysical properties (such as structural, functional, and spatial information, amino acid conservation, physicochemical variation, residue mobility, and thermodynamic stability) performed at Invitae indicates that this missense variant is not expected to disrupt TSC2 protein function. In summary, the available evidence is currently insufficient to determine the role of this variant in disease. Therefore, it has been classified as a Variant of Uncertain Significance. This variant is not present in population databases (gnomAD no frequency). This sequence change replaces proline, which is neutral and non-polar, with alanine, which is neutral and non-polar, at codon 928 of the TSC2 protein (p.Pro928Ala).